The following is an entry in ClinVar:

NM_001365999.1(SZT2):c.6120_6122del (p.Val2041del)

Gene: SZT2 (SZT2 subunit of KICSTOR complex; plus strand). Cytogenetic location: 1p34.2.
Variant type: Deletion.
Coding change: c.6120_6122del on transcript NM_001365999.1 (MANE Select); coding-DNA positions 6120 to 6122, 3 bases deleted (TGT; older notation c.6120_6122delTGT).
Protein change: p.Val2041del; deletes valine 2041.
Molecular consequence: inframe deletion.
Genome position (GRCh38, 1-based): chr1:43,437,256-43,437,258, TGT deleted; deleting any 3 consecutive bases within chr1:43,437,254-43,437,258 gives the same sequence; the c. name uses the placement nearest the transcript's 3' end. VCF-style (leftmost placement, unchanged base first): chr1-43437253-CGTT-C. GRCh37 (hg19) VCF-style: chr1-43902924-CGTT-C.
Other names: c.5949_5951del, p.Val1984del (NM_015284.4); c.5949_5951del (NM_015284.3); short protein forms V1984del, V2041del.
Identifiers: ClinVar variation 372895 (VCV000372895.46), dbSNP rs746200792, ClinGen allele CA809797.
Genomic context (GRCh38, chr1:43,437,253, plus strand): 5'-TGCGCCCCGTGGGTACCTGGCAGCCACAATGCAGTTTGTCCCTGGCCATTTCTCCTGTGA[CGTT>C]GTGTGGGGAACTGTGATCCGAGTCCATTCACGCCTCAAAATGGGGCCCAGCATGGGGGTC-3'

ClinVar aggregate classification (germline): Pathogenic/Likely pathogenic. Review status: criteria provided, multiple submitters, no conflicts (2 of 4 stars). 9 submissions from 9 submitters: Pathogenic (2); Likely pathogenic (6). 1 of the submissions does not count toward it. Last evaluated 2025-12-30.

Conditions:
Developmental and epileptic encephalopathy, 18 (DEE18). Also called: Early infantile epileptic encephalopathy 18. Identifiers: Orphanet 369894, MedGen C3809624, MONDO:0014201, OMIM 615476.
SZT2-related disorder. Also called: SZT2-related condition.

Submissions (9):

Labcorp Genetics (formerly Invitae), Labcorp
Classification: Pathogenic. Last evaluated: 2025-12-30. Review status: criteria provided, single submitter. Criteria: Invitae Variant Classification Sherloc (09022015). Collection method: clinical testing. Allele origin: germline.
Comment: This variant, c.5949_5951del, results in the deletion of 1 amino acid(s) of the SZT2 protein (p.Val1984del), but otherwise preserves the integrity of the reading frame. This variant is present in population databases (rs746200792, gnomAD 0.09%). This variant has been observed in individual(s) with clinical features of developmental and epileptic encephalopathy (PMID: 30564332, 30755392, 35773235; internal data). In at least one individual the data is consistent with being in trans (on the opposite chromosome) from a pathogenic variant. ClinVar contains an entry for this variant (Variation ID: 372895). Algorithms developed to predict the effect of variants on gene product structure and function are not available or were not evaluated for this variant. Experimental studies have shown that this variant affects SZT2 function (PMID: 30564332, 35773235). For these reasons, this variant has been classified as Pathogenic.

CeGaT Center for Human Genetics Tuebingen
Classification: Likely pathogenic. Last evaluated: 2023-07-01. Review status: criteria provided, single submitter. Criteria: CeGaT Center For Human Genetics Tuebingen Variant Classification Criteria Version 2. Collection method: clinical testing. Allele origin: germline. Affected: yes. Observed: 1 variant allele.
Comment: SZT2: PM3:Strong, PM2, PM4:Supporting, PS3:Supporting

Greenwood Genetic Center Diagnostic Laboratories, Greenwood Genetic Center
Classification: Likely pathogenic for Developmental and epileptic encephalopathy, 18. Last evaluated: 2023-05-31. Review status: criteria provided, single submitter. Criteria: ACMG Guidelines, 2015. Collection method: clinical testing. Allele origin: germline. Affected: yes.
Comment: PS3_Supporting, PM2, PM3_Strong, PM4

Broad Center for Mendelian Genomics, Broad Institute of MIT and Harvard
Classification: Likely pathogenic for Developmental and epileptic encephalopathy, 18. Last evaluated: 2022-10-06. Review status: criteria provided, single submitter. Criteria: ACMG Guidelines, 2015. Collection method: research. Allele origin: germline. Inheritance: Autosomal recessive inheritance. Affected: yes.
Comment: The p.Val1984del variant has been reported in five affected individuals (PMID: 30564332, 30755392, 35773235) but has been identified in 9/10370 (0.087%) of Ashkenazi Jewish chromosomes by the Genome Aggregation Database (gnomAD; dbSNP ID: rs756197807). Although this variant has been seen in the general population in a heterozygous state, its frequency is low enough to be consistent with a recessive carrier frequency. This variant has also been reported in ClinVar (Variation ID: 372895) and has been interpreted as likely pathogenic by GeneDx, Children’s Hospital of Philadelphia Division of Genomic Diagnostics, and Children’s Hospital Los Angeles Center for Personalized Medicine and as a variant of uncertain significance by Invitae. Of the five affected individuals previously reported, two were homozygotes (PMID: 35773235) and two were compound heterozygotes who carried a likely pathogenic variant in trans (PMID: 30755392, PMID: 35773235), which increases the likelihood that the p.Val2041del variant is pathogenic. In vitro functional studies provide some evidence that the p.Val2041del variant may slightly impact protein function (PMID: 35773235). However, these types of assays may not accurately represent biological function. This variant is a deletion of one amino acid at position 1984 and is not predicted to alter the protein reading-frame. This deletion may impact the protein. In summary, although additional studies are required to fully establish its clinical significance, this variant meets criteria to be classified as likely pathogenic for autosomal recessive developmental and epileptic encephalopathy 18. ACMG/AMP Criteria applied: PM3_Strong, PS3_Supporting, PM2_Supporting, PM4_Supporting (Richards 2015).

Center for Personalized Medicine, Children's Hospital Los Angeles
Classification: Likely pathogenic. Last evaluated: 2018-11-19. Review status: criteria provided, single submitter. Criteria: ACMG Guidelines, 2015. Collection method: clinical testing. Allele origin: germline. Affected: yes.

GeneDx
Classification: Likely pathogenic. Last evaluated: 2016-02-15. Review status: criteria provided, single submitter. Criteria: GeneDx Variant Classification (06012015). Collection method: clinical testing. Allele origin: germline. Affected: yes.
Comment: The c.5949_5951delTGT variant in the SZT2 gene has not been reported previously as a pathogenic variant nor as a benign variant, to our knowledge. The c.5949_5951delTGT variant results in an in-frame 3 base pair deletion and is predicted to cause loss of a Valine residue at position 1984 in the protein, denoted as p.Val1984del. The c.5949_5951delTGT variant was not observed at any significant frequency in approximately 6500 individuals of European and African American ancestry in the NHLBI Exome Sequencing Project, indicating it is not a common benign variant in these populations. Thus, the c.5949_5951delTGT variant is a strong candidate for pathogenic variant, however the possibility it may be a rare benign variant cannot be excluded.

Juno Genomics, Hangzhou Juno Genomics, Inc
Classification: Pathogenic for Developmental and epileptic encephalopathy, 18. Review status: criteria provided, single submitter. Criteria: ACMG Guidelines, 2015. Collection method: clinical testing. Allele origin: germline.
Comment: Absent from controls (or at extremely low frequency if recessive) in Genome Aggregation Database.;Protein length changes due to in-frame deletions/insertions in a non-repeat region or stop-loss variants.;Well-established in vitro or in vivo functional studies supportive of a damaging effect on the gene or gene product.;For recessive disorders, detected in trans with a pathogenic variant.;Patient's phenotype or family history is highly specific for a disease with a single genetic etiology.

Rady Children's Institute for Genomic Medicine, Rady Children's Hospital San Diego
Classification: Likely pathogenic for EPILEPTIC ENCEPHALOPATHY, EARLY INFANTILE, 18. Review status: criteria provided, single submitter. Criteria: ACMG Guidelines, 2015. Collection method: clinical testing. Allele origin: germline. Affected: yes.
Comment: This 3-base-pair in-frame deletion variant found in exon 42 of 71 leads to the loss of 1 amino acid residue but preserves the reading frame. This variant has been previously reported together with a second variant in SZT2 in individuals with global developmental delay, seizures, and hypotonia (PMID: 30755392, 30564332). It is present in the heterozygous state in the gnomAD population database at a frequency of 0.006% (18/282850) and is absent in the homozygous state. Based on the available evidence, c.5949_5951del (p.Val1984del) is classified as Likely Pathogenic.

PreventionGenetics, part of Exact Sciences
Classification: Likely pathogenic for SZT2-related condition. Last evaluated: 2024-05-14. Review status: no assertion criteria provided. Collection method: clinical testing. Allele origin: germline. Not counted in ClinVar's aggregate classification.
Comment: The SZT2 c.5949_5951delTGT variant is predicted to result in an in-frame deletion (p.Val1984del). This variant has been reported in the compound heterozygous state and homozygous state in at least four individuals with epileptic encephalopathy (Uittenbogaard et al. 2018. PubMed ID: 30564332; Calhoun et al. 2022. PubMed ID: 35773235). In vitro studies suggest that this variant alters protein function (Uittenbogaard et al. 2018. PubMed ID: 30564332). This variant is reported in 0.087% of alleles in individuals of Ashkenazi Jewish descent in gnomAD. Taken together, this variant is interpreted as likely pathogenic.

Literature cited by the submitters: PubMed 30564332 (cited by Labcorp Genetics (formerly Invitae), Labcorp and Broad Center for Mendelian Genomics, Broad Institute of MIT and Harvard); PubMed 30755392 (cited by Labcorp Genetics (formerly Invitae), Labcorp and Broad Center for Mendelian Genomics, Broad Institute of MIT and Harvard); PubMed 35773235 (cited by Labcorp Genetics (formerly Invitae), Labcorp and Broad Center for Mendelian Genomics, Broad Institute of MIT and Harvard).